The following is an entry in ClinVar:

NM_007315.4(STAT1):c.199C>A (p.Gln67Lys)

Gene: STAT1 (signal transducer and activator of transcription 1; minus strand). Cytogenetic location: 2q32.2.
Variant type: single nucleotide variant.
Coding change: c.199C>A on transcript NM_007315.4 (MANE Select); coding-DNA position 199, C replaced by A.
Protein change: p.Gln67Lys; replaces glutamine 67 with lysine.
Molecular consequence: missense variant.
Genome position (GRCh38, 1-based): chr2:191,009,037, G>T on the plus strand (C>A on the coding strand, the complement: STAT1 is on the minus strand). VCF-style: chr2-191009037-G-T. GRCh37 (hg19) VCF-style: chr2-191873763-G-T.
Other names: c.199C>A, p.Gln67Lys (NM_001384880.1, NM_001384882.1, NM_001384883.1 and 7 more transcripts); c.205C>A, p.Gln69Lys (NM_001384881.1, NM_001384884.1); c.235C>A, p.Gln79Lys (NM_001384891.1); short protein forms Q67K, Q69K, Q79K.
Identifiers: ClinVar variation 3754737 (VCV003754737.2).

ClinVar aggregate classification (germline): Uncertain significance (1 of 4 stars; one submission).

Conditions:
Mendelian susceptibility to mycobacterial diseases due to partial STAT1 deficiency. Also called: IMMUNODEFICIENCY 31A, MYCOBACTERIOSIS, AUTOSOMAL DOMINANT; STAT1 DEFICIENCY, AUTOSOMAL DOMINANT; Immunodeficiency 31a. Identifiers: Orphanet 319595, MedGen C4013950, MONDO:0013956, OMIM 614892.
Immunodeficiency 31B. Also called: STAT1 DEFICIENCY, AUTOSOMAL RECESSIVE; IMMUNODEFICIENCY 31B, MYCOBACTERIAL AND VIRAL INFECTIONS, AUTOSOMAL RECESSIVE. Identifiers: Orphanet 391311, MedGen C3151088, MONDO:0013427, OMIM 613796.
Autoimmune enteropathy and endocrinopathy - susceptibility to chronic infections syndrome. Also called: Immunodeficiency 31C, autosomal dominant; Immunodeficiency 31C. Identifiers: Orphanet 391487, MedGen C3279990, MONDO:0013599, OMIM 614162.

Submission:

Labcorp Genetics (formerly Invitae), Labcorp
Classification: Uncertain significance for Mendelian susceptibility to mycobacterial diseases due to partial STAT1 deficiency; Immunodeficiency 31B; Autoimmune enteropathy and endocrinopathy - susceptibility to chronic infections syndrome. Last evaluated: 2024-02-17. Review status: criteria provided, single submitter. Criteria: Invitae Variant Classification Sherloc (09022015). Collection method: clinical testing. Allele origin: germline.
Comment: This sequence change replaces glutamine, which is neutral and polar, with lysine, which is basic and polar, at codon 67 of the STAT1 protein (p.Gln67Lys). This variant is not present in population databases (gnomAD no frequency). This variant has not been reported in the literature in individuals affected with STAT1-related conditions. An algorithm developed to predict the effect of missense changes on protein structure and function (PolyPhen-2) suggests that this variant is likely to be disruptive. This variant disrupts the p.Gln67 amino acid residue in STAT1. Other variant(s) that disrupt this residue have been determined to be pathogenic (Invitae). This suggests that this residue is clinically significant, and that variants that disrupt this residue are likely to be disease-causing. In summary, the available evidence is currently insufficient to determine the role of this variant in disease. Therefore, it has been classified as a Variant of Uncertain Significance.